The following is an entry in ClinVar:

NM_005144.5(HR):c.3428_3429del (p.Pro1143fs)

Gene: HR (HR lysine demethylase and nuclear receptor corepressor; minus strand). Cytogenetic location: 8p21.3.
Variant type: Deletion.
Coding change: c.3428_3429del on transcript NM_005144.5 (MANE Select); coding-DNA positions 3428 to 3429, 2 bases deleted (CT; older notation c.3428_3429delCT).
Protein change: p.Pro1143fs; shifts the reading frame from proline 1143.
Molecular consequence: frameshift variant.
Genome position (GRCh38, 1-based): chr8:22,116,378-22,116,379, AG deleted on the plus strand (CT on the coding strand, the reverse complement: HR is on the minus strand). VCF-style (leftmost placement, unchanged base first): chr8-22116377-CAG-C. GRCh37 (hg19) VCF-style: chr8-21973890-CAG-C.
Other names: p.Pro1143Argfs*19; c.3263_3264del, p.Pro1088fs (NM_018411.4); short protein forms P1088fs, P1143fs.
Identifiers: ClinVar variation 3777057 (VCV003777057.1).
Genomic context (GRCh38, chr8:22,116,377, plus strand): 5'-GGCAGTCAGGGGGAAGGCTGGGTCCCTGGTGGCAGAGCTGAGCAGAGAGGGCAGAGGTCT[CAG>C]GGGAGAGGAAGTGCTGAGTGACGCTGACTGTGCTCACCAGGCCCTGCACCTGTGTCGGGG-3'

ClinVar aggregate classification (germline): Likely pathogenic (1 of 4 stars; one submission).

Conditions:
Alopecia universalis congenita (ALUNC). Also called: ATRICHIA, GENERALIZED. Identifiers: Orphanet 701, MedGen C1859877, MONDO:0008757, OMIM 203655.

Submission:

Foundation for Research in Genetics and Endocrinology, FRIGE's Institute of Human Genetics
Classification: Likely pathogenic for Alopecia universalis congenita. Last evaluated: 2025-02-25. Review status: criteria provided, single submitter. Criteria: ACMG Guidelines, 2015. Collection method: clinical testing. Allele origin: germline. Inheritance: Autosomal recessive inheritance. Affected: yes. Observed: 1 compound heterozygote.
Comment: A heterozygous frameshift deletion variant in exon 18 of the HR gene results in protein truncation 19 amino acids downstream of codon 1143. The total length of the wildtype protein is 1189 amino acids. The observed variant c.3428_3429del(p.Pro1143Argfs*19) has not been reported in the 1000 genomes and gnomAD databases. The in silico prediction of the variant is possibly damaging by CADD and MutationTaster2. The reference codon is conserved across species. In summary, the variant meets our criteria to be classified as likely pathogenic.